The following is an entry in ClinVar:

NM_002386.4(MC1R):c.449T>C (p.Leu150Pro)

Gene: MC1R (melanocortin 1 receptor; plus strand). Cytogenetic location: 16q24.3.
Variant type: single nucleotide variant.
Coding change: c.449T>C on transcript NM_002386.4 (MANE Select); coding-DNA position 449, T replaced by C.
Protein change: p.Leu150Pro; replaces leucine 150 with proline.
Molecular consequence: missense variant.
Genome position (GRCh38, 1-based): chr16:89,919,707, T>C. VCF-style: chr16-89919707-T-C. GRCh37 (hg19) VCF-style: chr16-89986115-T-C.
Other names: short protein forms L150P.
Identifiers: ClinVar variation 4104842 (VCV004104842.1).

ClinVar aggregate classification (germline): Uncertain significance (1 of 4 stars; one submission).

Submission:

Ambry Genetics
Classification: Uncertain significance. Last evaluated: 2025-06-21. Review status: criteria provided, single submitter. Criteria: Ambry Variant Classification Scheme 2023. Collection method: clinical testing. Allele origin: germline.
Comment: The p.L150P variant (also known as c.449T>C), located in coding exon 1 of the MC1R gene, results from a T to C substitution at nucleotide position 449. The leucine at codon 150 is replaced by proline, an amino acid with similar properties. This amino acid position is conserved. In addition, this alteration is predicted to be deleterious by in silico analysis. Based on the available evidence, the clinical significance of this variant remains unclear.